The following is an entry in ClinVar:

NM_000041.4(APOE):c.-24+38G>A

Gene: APOE (apolipoprotein E; plus strand). Cytogenetic location: 19q13.32.
Variant type: single nucleotide variant.
Coding change: c.-24+38G>A on transcript NM_000041.4 (MANE Select); 38 bases into the intron after 24 bases upstream of the start codon, G replaced by A.
Molecular consequence: intron variant. On other transcripts: missense variant (1).
Genome position (GRCh38, 1-based): chr19:44,905,879, G>A. VCF-style: chr19-44905879-G-A. GRCh37 (hg19) VCF-style: chr19-45409136-G-A.
Other names: c.11G>A, p.Gly4Glu (NM_001302688.2); c.-39+38G>A (NM_001302691.2); short protein forms G4E.
Identifiers: ClinVar variation 4977575 (VCV004977575.1).

ClinVar aggregate classification (germline): Likely benign (1 of 4 stars; one submission).

Conditions:
APOE-related disorder. Also called: APOE-related condition.

Submission:

PreventionGenetics, part of Exact Sciences
Classification: Likely benign for APOE-related condition. Last evaluated: 2024-12-11. Review status: criteria provided, single submitter. Criteria: ACMG Guidelines, 2015. Collection method: clinical testing. Allele origin: germline.
Comment: This variant is classified as likely benign based on ACMG/AMP sequence variant interpretation guidelines (Richards et al. 2015 PMID: 25741868, with internal and published modifications).